The following is an entry in ClinVar:

ClinVar aggregate classification (germline): Benign/Likely benign. Review status: criteria provided, multiple submitters, no conflicts (2 of 4 stars). 2 submissions from 2 submitters: Benign (1); Likely benign (1). Last evaluated 2026-09-01.

gnomAD v4.1: 15,875 of 1,611,890 alleles (0.98%); highest among the groups gnomAD compares: Non-Finnish European, 1.2%; 105 homozygotes.

Submissions (2):

CeGaT Center for Human Genetics Tuebingen
Classification: Benign. Last evaluated: 2026-09-01. Review status: criteria provided, single submitter. Criteria: CeGaT Center For Human Genetics Tuebingen Variant Classification Criteria Version 2. Collection method: clinical testing. Allele origin: germline. Affected: yes. Observed: 6 variant alleles.
Comment: ATAD3A: BS1, BS2

Blueprint Genetics
Classification: Likely benign. Last evaluated: 2024-11-25. Review status: criteria provided, single submitter. Criteria: ACMG Guidelines, 2015. Collection method: clinical testing. Allele origin: germline.

NM_001170535.3(ATAD3A):c.751-15G>A

Gene: ATAD3A (ATPase family AAA domain containing 3A; plus strand). Cytogenetic location: 1p36.33.
Variant type: single nucleotide variant.
Coding change: c.751-15G>A on transcript NM_001170535.3 (MANE Select); 15 bases into the intron before coding-DNA position 751, G replaced by A.
Molecular consequence: intron variant.
Genome position (GRCh38, 1-based): chr1:1,522,729, G>A. VCF-style: chr1-1522729-G-A. GRCh37 (hg19) VCF-style: chr1-1458109-G-A.
Other names: c.895-15G>A (NM_018188.5); c.514-15G>A (NM_001170536.3).
Identifiers: ClinVar variation 4872021 (VCV004872021.3).
Genomic context (GRCh38, chr1:1,522,729, plus strand): 5'-CAGCCCCGTGCGTCTCCTGCTCTAAGAGGGAGGGACGGTGGGGGCCGGTGCGCCAGTGCG[G>A]TGTCTCTGCTGCAGGTGGCTGGGCTGACGCTGCTGGCTGTTGGGGTCTACTCAGCCAAGA-3'